The following is an entry in ClinVar:

ClinVar aggregate classification (germline): Uncertain significance (1 of 4 stars; one submission).

Submission:

Labcorp Genetics (formerly Invitae), Labcorp
Classification: Uncertain significance. Last evaluated: 2021-10-15. Review status: criteria provided, single submitter. Criteria: Invitae Variant Classification Sherloc (09022015). Collection method: clinical testing. Allele origin: germline.
Comment: This sequence change replaces lysine with asparagine at codon 3236 of the CDH23 protein (p.Lys3236Asn). The lysine residue is moderately conserved and there is a moderate physicochemical difference between lysine and asparagine. This variant is not present in population databases (ExAC no frequency). This variant has not been reported in the literature in individuals affected with CDH23-related conditions. Algorithms developed to predict the effect of missense changes on protein structure and function are either unavailable or do not agree on the potential impact of this missense change (SIFT: "Deleterious"; PolyPhen-2: "Not Available"; Align-GVGD: "Class C0"). In summary, the available evidence is currently insufficient to determine the role of this variant in disease. Therefore, it has been classified as a Variant of Uncertain Significance.

NM_022124.6(CDH23):c.9708A>C (p.Lys3236Asn)

Gene: CDH23 (cadherin related 23; plus strand). Cytogenetic location: 10q22.1.
Variant type: single nucleotide variant.
Coding change: c.9708A>C on transcript NM_022124.6 (MANE Select); coding-DNA position 9708, A replaced by C.
Protein change: p.Lys3236Asn; replaces lysine 3236 with asparagine.
Molecular consequence: missense variant. On other transcripts: intron variant (2).
Genome position (GRCh38, 1-based): chr10:71,813,318, A>C. VCF-style: chr10-71813318-A-C. GRCh37 (hg19) VCF-style: chr10-73573075-A-C.
Other names: c.2988A>C, p.Lys996Asn (NM_001171933.1); c.399A>C, p.Lys133Asn (NM_001171935.1); c.2913+428A>C (NM_001171934.1); c.324+428A>C (NM_001171936.1); short protein forms K133N, K3236N, K996N.
Identifiers: ClinVar variation 1482104 (VCV001482104.6), dbSNP rs2133009971, ClinGen allele CA377137361.